The following is an entry in ClinVar:

NM_000075.4(CDK4):c.776C>T (p.Ser259Leu)

Genes: CDK4 (cyclin dependent kinase 4; minus strand), TSPAN31 (tetraspanin 31; plus strand). Cytogenetic location: 12q14.1.
Variant type: single nucleotide variant.
Coding change: c.776C>T on transcript NM_000075.4 (MANE Select); coding-DNA position 776, C replaced by T.
Protein change: p.Ser259Leu; replaces serine 259 with leucine.
Molecular consequence: missense variant. On other transcripts: 3 prime UTR variant (3).
Genome position (GRCh38, 1-based): chr12:57,749,225, G>A on the plus strand (C>T on the coding strand, the complement: CDK4 is on the minus strand). VCF-style: chr12-57749225-G-A. GRCh37 (hg19) VCF-style: chr12-58143008-G-A.
Other names: p.S259L:TCG>TTG; c.*1935G>A (NM_001330168.2, NM_001330169.2, NM_005981.5); short protein forms S259L.
Identifiers: ClinVar variation 127520 (VCV000127520.45), dbSNP rs201617914, ClinGen allele CA287154.

ClinVar aggregate classification (germline): Conflicting classifications of pathogenicity. Review status: criteria provided, conflicting classifications (1 of 4 stars). 14 submissions from 13 submitters: Uncertain significance (8); Benign (1); Likely benign (4). 1 of the submissions does not count toward it. Last evaluated 2026-06-23.

Conditions:
CDK4-related disorder. Also called: CDK4-related condition.
Familial melanoma. Also called: Hereditary melanoma; Hereditary cutaneous melanoma. Identifiers: Orphanet 618, MedGen C1512419, MONDO:0018961.
Hereditary cancer-predisposing syndrome. Also called: Neoplastic Syndromes, Hereditary; Tumor predisposition; Hereditary Cancer Syndrome; Hereditary neoplastic syndrome. Identifiers: Orphanet 140162, MedGen C0027672, MeSH D009386, MONDO:0015356.
Ewing sarcoma (ES). Also called: Ewing's sarcoma; Ewing's tumor; Ewing tumor. Identifiers: Orphanet 2677, Orphanet 319, MedGen C0553580, MONDO:0012817, OMIM 612219, HP:0012254.
Melanoma, cutaneous malignant, susceptibility to, 3. Also called: Cutaneous malignant melanoma 3. Identifiers: Orphanet 618, MedGen C1836892, MONDO:0012183, OMIM 609048.

Allele frequency attached by ClinVar (database versions not stated): gnomAD 0.00007 and 0.00008; ESP Exome Variant Server 0.00008; gnomAD exomes 0.00010 and 0.00014; ExAC 0.00011; TOPMed 0.00011.
gnomAD v4.1: 207 of 1,614,006 alleles (0.013%); highest among the groups gnomAD compares: Admixed American, 0.023%; no homozygotes.

Submissions (14):

Women's Health and Genetics/Laboratory Corporation of America, LabCorp
Classification: Likely benign. Last evaluated: 2026-06-23. Review status: criteria provided, single submitter. Criteria: LabCorp Variant Classification Summary - May 2015. Collection method: clinical testing. Allele origin: germline.
Comment: Variant summary: CDK4 c.776C>T (p.Ser259Leu) results in a non-conservative amino acid change located in the Protein kinase domain (IPR000719) of the encoded protein sequence. Algorithms developed to predict the effect of missense changes on protein structure and function are either unavailable or do not agree on the potential impact of this missense change. The variant allele was found at a frequency of 0.0001 in 250518 control chromosomes, predominantly at a frequency of 0.00018 within the Non-Finnish European subpopulation in the gnomAD database. The observed variant frequency within Non-Finnish European control individuals in the gnomAD database is approximately 9 fold of the estimated maximal expected allele frequency for a pathogenic variant in CDK4 causing Cutaneous Malignant Melanoma phenotype (2e-05), strongly suggesting that the variant is a benign polymorphism found primarily in populations of Non-Finnish European origin. The variant was found in one patient who met the health insurance criteria for BRCA1/2 or Lynch syndrome gene testing, however specific clinical information and strong evidence for pathogenicity was not provided in this report (Yorczyk_2015). The variant was also reported in a pediatric cancer patient without strong evidence for causality (Zhang_2015). One publication reports experimental evidence evaluating an impact on protein function, however, does not allow convincing conclusions about the variant effect. The following publications have been ascertained in the context of this evaluation (PMID: 25318351, 26252490, 24755471, 26580448). ClinVar contains an entry for this variant (Variation ID: 127520). Based on the evidence outlined above, the variant was classified as likely benign.

Labcorp Genetics (formerly Invitae), Labcorp
Classification: Likely benign for Familial melanoma. Last evaluated: 2026-01-31. Review status: criteria provided, single submitter. Criteria: Invitae Variant Classification Sherloc (09022015). Collection method: clinical testing. Allele origin: germline.

PreventionGenetics, part of Exact Sciences
Classification: Uncertain significance for CDK4-related condition. Last evaluated: 2026-01-28. Review status: criteria provided, single submitter. Criteria: ACMG Guidelines, 2015. Collection method: clinical testing. Allele origin: germline.
Comment: The CDK4 c.776C>T variant is predicted to result in the amino acid substitution p.Ser259Leu. This variant was reported as uncertain in a cohort of patients with hereditary predisposition to cancer (Yorczyk et al. 2014. PubMed ID: 25318351), in a patient with breast cancer (Xie et al. 2019. PubMed ID: 30851086), and in a patient with ovarian cancer (Chan et al. 2018. PubMed ID: 30093976). This variant was predicted to be neutral using computational methods to analyze the effects of nsSNPs on protein function (Nagasundaram et al. 2015. PubMed ID: 26252490). This variant is reported in 0.017% of alleles in individuals of European (Non-Finnish) descent in gnomAD and has conflicting interpretations regarding its pathogenicity in ClinVar, ranging from benign to uncertain (Variation ID: 127520). Although we suspect that this variant may be benign, at this time, the clinical significance of this variant is uncertain due to the absence of conclusive functional and genetic evidence.

Center for Genomic Medicine, Rigshospitalet, Copenhagen University Hospital
Classification: Uncertain significance. Last evaluated: 2025-12-29. Review status: criteria provided, single submitter. Criteria: ACMG Guidelines, 2015. Collection method: clinical testing. Allele origin: germline.

ARUP Laboratories, Molecular Genetics and Genomics, ARUP Laboratories
Classification: Uncertain significance for Melanoma, cutaneous malignant, susceptibility to, 3. Last evaluated: 2025-05-15. Review status: criteria provided, single submitter. Criteria: ARUP Molecular Germline Variant Investigation Process 2024. Collection method: clinical testing. Allele origin: germline.
Comment: The CDK4 c.776C>T; p.Ser259Leu variant (rs201617914, ClinVar Variation ID: 127520) is reported in the literature in individuals affected with ovarian cancer, leukemia, fibroadenoma, or biliary tract cancer (Chan 2018, Okawa 2023, Xie 2019, Zhang 2015), however, evidence of definitive disease association was not provided. This variant is found in the general population with an overall allele frequency of 0.01% (27/281,920 alleles) in the Genome Aggregation Database (v2.1.1). Computational analyses predict that this variant is neutral (REVEL: 0.049). Due to limited information, the clinical significance of this variant is uncertain at this time. References: Chan GHJ et al. Clinical genetic testing outcome with multi-gene panel in Asian patients with multiple primary cancers. Oncotarget. 2018 Jul 17;9(55):30649-30660. PMID: 30093976. Okawa Y et al. Hereditary cancer variants and homologous recombination deficiency in biliary tract cancer. J Hepatol. 2023 Feb;78(2):333-342. PMID: 36243179. Xie SN et al. The genomic mutation spectrums of breast fibroadenomas in Chinese population by whole exome sequencing analysis. Cancer Med. 2019 May;8(5):2372-2379. PMID: 30851086. Zhang J et al. Germline Mutations in Predisposition Genes in Pediatric Cancer. N Engl J Med. 2015 Dec 10;373(24):2336-2346. PMID: 26580448.

GeneDx
Classification: Uncertain significance. Last evaluated: 2025-05-02. Review status: criteria provided, single submitter. Criteria: GeneDx Variant Classification Process June 2021. Collection method: clinical testing. Allele origin: germline. Affected: yes.
Comment: In silico analysis supports that this missense variant has a deleterious effect on protein structure/function; Observed in individuals with personal or family history of leukemia, ovarian, or other cancers (PMID: 26580448, 25318351, 30093976, 36243179); This variant is associated with the following publications: (PMID: 31766881, 24755471, 30093976, 26252490, 26580448, 25318351, 30851086, 36243179)

St. Jude Molecular Pathology, St. Jude Children's Research Hospital
Classification: Uncertain significance for Melanoma, cutaneous malignant, susceptibility to, 3. Last evaluated: 2024-01-09. Review status: criteria provided, single submitter. Criteria: St. Jude Assertion Criteria 2020. Collection method: clinical testing. Allele origin: germline.

Mendelics
Classification: Benign for Melanoma, cutaneous malignant, susceptibility to, 3. Last evaluated: 2023-08-22. Review status: criteria provided, single submitter. Criteria: Mendelics Assertion Criteria 2019. Collection method: clinical testing. Allele origin: germline.

Myriad Genetics, Inc.
Classification: Uncertain significance for Melanoma, cutaneous malignant, susceptibility to, 3. Last evaluated: 2023-03-07. Review status: criteria provided, single submitter. Criteria: Myriad Autosomal Dominant, Autosomal Recessive and X-Linked Classification Criteria (2023). Collection method: clinical testing. Allele origin: unknown.
Comment: This variant is classified as a variant of uncertain significance as there is insufficient evidence to determine its impact on protein function and/or cancer risk.

Sema4
Classification: Uncertain significance for Hereditary cancer-predisposing syndrome. Last evaluated: 2021-05-06. Review status: criteria provided, single submitter. Criteria: Sema4 Curation Guidelines. Collection method: curation. Allele origin: germline.
Comment: The CDK4 c.776C>T (p.S259L) variant has been reported in heterozygosity in at least one individual with ovarian cancer and at least one individual with fibroadenomas (PMID: 30093976, 30851086). It was observed in 22/128702 chromosomes of the Non-Finnish European subpopulation by the Genome Aggregation Database (PMID: 32461654). The variant has been reported in ClinVar (Variation ID: 127520). In silico tools suggest the impact of the variant on protein function is benign, though these predictions have not been confirmed by functional studies. The evidence is insufficient to meet ACMG/AMP criteria for classifying the variant as benign or pathogenic. Thus, the clinical significance of this variant is currently uncertain.

Quest Diagnostics Nichols Institute San Juan Capistrano
Classification: Likely benign. Last evaluated: 2019-12-24. Review status: criteria provided, single submitter. Criteria: Quest Diagnostics criteria. Collection method: clinical testing. Allele origin: unknown.

Ambry Genetics
Classification: Likely benign for Hereditary cancer-predisposing syndrome. Last evaluated: 2019-04-16. Review status: criteria provided, single submitter. Criteria: Ambry Variant Classification Scheme 2023. Collection method: clinical testing. Allele origin: germline.

St. Jude Molecular Pathology, St. Jude Children's Research Hospital
Classification: Uncertain significance for Ewing sarcoma. Last evaluated: 2016-12-27. Review status: criteria provided, single submitter. Criteria: ACMG Guidelines, 2015. Collection method: clinical testing. Allele origin: germline. Affected: yes.

Counsyl
Classification: Uncertain significance for Melanoma, cutaneous malignant, susceptibility to, 3. Last evaluated: 2016-08-22. Review status: no assertion criteria provided. Collection method: clinical testing. Allele origin: unknown. Not counted in ClinVar's aggregate classification.

Literature cited by the submitters: PubMed 25318351 (cited by 4 submitters); PubMed 26252490 (cited by 3 submitters); PubMed 24755471 (cited by 3 submitters); PubMed 26580448 (cited by Women's Health and Genetics/Laboratory Corporation of America, LabCorp); PubMed 30093976 (cited by Sema4 and Quest Diagnostics Nichols Institute San Juan Capistrano); PubMed 30851086 (cited by Sema4); PubMed 28166811 (cited by Ambry Genetics).